The following is an entry in ClinVar:

NM_001042492.3(NF1):c.-22G>C

Genes: MIR4733HG (MIR4733 host gene; minus strand), NF1 (neurofibromin 1; plus strand), LOC111811965 (NF1 (neurofibromin 1) promoter region; plus strand). Cytogenetic location: 17q11.2.
Variant type: single nucleotide variant.
Coding change: c.-22G>C on transcript NM_001042492.3 (MANE Select); 22 bases upstream of the start codon, G replaced by C.
Molecular consequence: 5 prime UTR variant. On other transcripts: non-coding transcript variant (1).
Genome position (GRCh38, 1-based): chr17:31,095,288, G>C. VCF-style: chr17-31095288-G-C. GRCh37 (hg19) VCF-style: chr17-29422306-G-C.
Other names: c.-22G>C (NM_000267.4, NM_001128147.3).
Identifiers: ClinVar variation 257274 (VCV000257274.53), dbSNP rs556823296, ClinGen allele CA8485435.

ClinVar aggregate classification (germline): Benign/Likely benign. Review status: criteria provided, multiple submitters, no conflicts (2 of 4 stars). 11 submissions from 8 submitters: Benign (3); Likely benign (8). Last evaluated 2026-08-01.

Conditions:
Café-au-lait macules with pulmonary stenosis (WTSN). Also called: PULMONIC STENOSIS WITH CAFE-AU-LAIT SPOTS. Identifiers: MedGen C0553586, MONDO:0008672, OMIM 193520.
Neurofibromatosis, familial spinal (FSNF). Identifiers: Orphanet 636, MedGen C1834235, MONDO:0008078, OMIM 162210. Disease mechanism: loss of function.
Neurofibromatosis-Noonan syndrome (NFNS). Also called: NEUROFIBROMATOSIS WITH NOONAN PHENOTYPE. Identifiers: Orphanet 638, MedGen C2931482, MONDO:0011035, OMIM 601321. Disease mechanism: loss of function.
Neurofibromatosis, type 1 (NF1). Also called: Neurofibromatosis, type I; Peripheral type neurofibromatosis; VON RECKLINGHAUSEN DISEASE; NEUROFIBROMATOSIS, TYPE I, SOMATIC. Identifiers: Orphanet 636, MedGen C0027831, MONDO:0018975, OMIM 162200. Disease mechanism: loss of function.

Allele frequency attached by ClinVar (database versions not stated): 1000 Genomes Project 0.00080; 1000 Genomes Project 30x 0.00141; ExAC 0.00358; gnomAD 0.00381; TOPMed 0.00381.
gnomAD v4.1: 9,184 of 1,534,806 alleles (0.6%); highest among the groups gnomAD compares: Non-Finnish European, 0.7%; 34 homozygotes.

Submissions (11):

CeGaT Center for Human Genetics Tuebingen
Classification: Benign. Last evaluated: 2026-08-01. Review status: criteria provided, single submitter. Criteria: CeGaT Center For Human Genetics Tuebingen Variant Classification Criteria Version 2. Collection method: clinical testing. Allele origin: germline. Affected: yes. Observed: 70 variant alleles.
Comment: NF1: BS1, BS2

Center for Genomic Medicine, Rigshospitalet, Copenhagen University Hospital
Classification: Likely benign. Last evaluated: 2025-03-04. Review status: criteria provided, single submitter. Criteria: ACMG Guidelines, 2015. Collection method: clinical testing. Allele origin: germline.

Genome-Nilou Lab
Classification: Benign for Neurofibromatosis, type 1. Last evaluated: 2022-03-15. Review status: criteria provided, single submitter. Criteria: ACMG Guidelines, 2015. Collection method: clinical testing. Allele origin: germline. Affected: no.

ARUP Laboratories, Molecular Genetics and Genomics, ARUP Laboratories
Classification: Likely benign. Last evaluated: 2019-04-29. Review status: criteria provided, single submitter. Criteria: ARUP Molecular Germline Variant Investigation Process. Collection method: clinical testing. Allele origin: germline.

GeneDx
Classification: Likely benign. Last evaluated: 2018-03-22. Review status: criteria provided, single submitter. Criteria: GeneDx Variant Classification (06012015). Collection method: clinical testing. Allele origin: germline. Affected: yes.
Comment: This variant is considered likely benign or benign based on one or more of the following criteria: it is a conservative change, it occurs at a poorly conserved position in the protein, it is predicted to be benign by multiple in silico algorithms, and/or has population frequency not consistent with disease.

Illumina Laboratory Services, Illumina
Classification: Likely benign for Neurofibromatosis, type 1. Last evaluated: 2018-01-13. Review status: criteria provided, single submitter. Criteria: ICSL Variant Classification Criteria 13 December 2019. Collection method: clinical testing. Allele origin: germline.
Comment: This variant was observed in the ICSL laboratory as part of a predisposition screen in an ostensibly healthy population. It had not been previously curated by ICSL or reported in the Human Gene Mutation Database (HGMD: prior to June 1st, 2018), and was therefore a candidate for classification through an automated scoring system. Utilizing variant allele frequency, disease prevalence and penetrance estimates, and inheritance mode, an automated score was calculated to assess if this variant is too frequent to cause the disease. Based on the score and internal cut-off values, a variant classified as likely benign is not then subjected to further curation. The score for this variant resulted in a classification of likely benign for this disease.

Illumina Laboratory Services, Illumina
Classification: Likely benign for Neurofibromatosis, familial spinal. Last evaluated: 2018-01-13. Review status: criteria provided, single submitter. Criteria: ICSL Variant Classification Criteria 13 December 2019. Collection method: clinical testing. Allele origin: germline.
Comment: the same text as in the submission from Illumina Laboratory Services, Illumina above.

Illumina Laboratory Services, Illumina
Classification: Benign for Neurofibromatosis-Noonan syndrome. Last evaluated: 2018-01-13. Review status: criteria provided, single submitter. Criteria: ICSL Variant Classification Criteria 13 December 2019. Collection method: clinical testing. Allele origin: germline.
Comment: This variant was observed in the ICSL laboratory as part of a predisposition screen in an ostensibly healthy population. It had not been previously curated by ICSL or reported in the Human Gene Mutation Database (HGMD: prior to June 1st, 2018), and was therefore a candidate for classification through an automated scoring system. Utilizing variant allele frequency, disease prevalence and penetrance estimates, and inheritance mode, an automated score was calculated to assess if this variant is too frequent to cause the disease. Based on the score and internal cut-off values, a variant classified as benign is not then subjected to further curation. The score for this variant resulted in a classification of benign for this disease.

Illumina Laboratory Services, Illumina
Classification: Likely benign for Café-au-lait macules with pulmonary stenosis. Last evaluated: 2018-01-13. Review status: criteria provided, single submitter. Criteria: ICSL Variant Classification Criteria 13 December 2019. Collection method: clinical testing. Allele origin: germline.
Comment: the same text as in the submission from Illumina Laboratory Services, Illumina above.

Breakthrough Genomics
Classification: Likely benign. Review status: criteria provided, single submitter. Criteria: ACMG Guidelines, 2015. Collection method: not provided. Allele origin: germline. Inheritance: Autosomal dominant inheritance. Affected: yes.

PreventionGenetics, part of Exact Sciences
Classification: Likely benign. Review status: criteria provided, single submitter. Criteria: ACMG Guidelines, 2015. Collection method: clinical testing. Allele origin: germline.